The following is an entry in ClinVar:

NM_003227.4(TFR2):c.1246T>C (p.Cys416Arg)

Gene: TFR2 (transferrin receptor 2; minus strand). Cytogenetic location: 7q22.1.
Variant type: single nucleotide variant.
Coding change: c.1246T>C on transcript NM_003227.4 (MANE Select); coding-DNA position 1246, T replaced by C.
Protein change: p.Cys416Arg; replaces cysteine 416 with arginine.
Molecular consequence: missense variant.
Genome position (GRCh38, 1-based): chr7:100,630,913, A>G on the plus strand (T>C on the coding strand, the complement: TFR2 is on the minus strand). VCF-style: chr7-100630913-A-G. GRCh37 (hg19) VCF-style: chr7-100228536-A-G.
Other names: c.733T>C, p.Cys245Arg (NM_001206855.3); short protein forms C245R, C416R.
Identifiers: ClinVar variation 1953643 (VCV001953643.2), dbSNP rs1351526519, ClinGen allele CA368529349.

ClinVar aggregate classification (germline): Uncertain significance (1 of 4 stars; one submission).

Conditions:
Hereditary hemochromatosis (HFE). Identifiers: MedGen C0392514, MONDO:0006507. Disease mechanism: loss of function.

Allele frequency attached by ClinVar (database versions not stated): gnomAD exomes below 0.00001; gnomAD 0.00001; TOPMed 0.00001.
gnomAD v4.1: 4 of 1,612,974 alleles (0.00025%); highest among the groups gnomAD compares: Non-Finnish European, 0.00034%; no homozygotes.

Submission:

Labcorp Genetics (formerly Invitae), Labcorp
Classification: Uncertain significance for Hereditary hemochromatosis. Last evaluated: 2022-09-30. Review status: criteria provided, single submitter. Criteria: Invitae Variant Classification Sherloc (09022015). Collection method: clinical testing. Allele origin: germline.
Comment: This sequence change replaces cysteine, which is neutral and slightly polar, with arginine, which is basic and polar, at codon 416 of the TFR2 protein (p.Cys416Arg). This variant is present in population databases (no rsID available, gnomAD 0.0009%). This variant has not been reported in the literature in individuals affected with TFR2-related conditions. Advanced modeling of protein sequence and biophysical properties (such as structural, functional, and spatial information, amino acid conservation, physicochemical variation, residue mobility, and thermodynamic stability) performed at Invitae indicates that this missense variant is not expected to disrupt TFR2 protein function. In summary, the available evidence is currently insufficient to determine the role of this variant in disease. Therefore, it has been classified as a Variant of Uncertain Significance.